The following is an entry in ClinVar:

ClinVar aggregate classification (germline): Uncertain significance (1 of 4 stars; one submission).

Submission:

Labcorp Genetics (formerly Invitae), Labcorp
Classification: Uncertain significance. Last evaluated: 2024-03-11. Review status: criteria provided, single submitter. Criteria: Invitae Variant Classification Sherloc (09022015). Collection method: clinical testing. Allele origin: germline.
Comment: This sequence change replaces asparagine, which is neutral and polar, with serine, which is neutral and polar, at codon 3808 of the KMT2C protein (p.Asn3808Ser). This variant is not present in population databases (gnomAD no frequency). This variant has not been reported in the literature in individuals affected with KMT2C-related conditions. Advanced modeling of protein sequence and biophysical properties (such as structural, functional, and spatial information, amino acid conservation, physicochemical variation, residue mobility, and thermodynamic stability) performed at Invitae indicates that this missense variant is not expected to disrupt KMT2C protein function with a negative predictive value of 80%. In summary, the available evidence is currently insufficient to determine the role of this variant in disease. Therefore, it has been classified as a Variant of Uncertain Significance.

NM_170606.3(KMT2C):c.11423A>G (p.Asn3808Ser)

Gene: KMT2C (lysine methyltransferase 2C; minus strand). Cytogenetic location: 7q36.1.
Variant type: single nucleotide variant.
Coding change: c.11423A>G on transcript NM_170606.3 (MANE Select); coding-DNA position 11423, A replaced by G.
Protein change: p.Asn3808Ser; replaces asparagine 3808 with serine.
Molecular consequence: missense variant.
Genome position (GRCh38, 1-based): chr7:152,162,154, T>C on the plus strand (A>G on the coding strand, the complement: KMT2C is on the minus strand). VCF-style: chr7-152162154-T-C. GRCh37 (hg19) VCF-style: chr7-151859239-T-C.
Other names: short protein forms N3808S.
Identifiers: ClinVar variation 2784401 (VCV002784401.3), dbSNP rs149184207, ClinGen allele CA370100709.